The following is an entry in ClinVar:

NM_177438.3(DICER1):c.4707C>T (p.Cys1569=)

Gene: DICER1 (dicer 1, ribonuclease III; minus strand). Cytogenetic location: 14q32.13.
Variant type: single nucleotide variant.
Coding change: c.4707C>T on transcript NM_177438.3 (MANE Select); coding-DNA position 4707, C replaced by T.
Protein change: p.Cys1569=; no amino-acid change (cysteine 1569 retained).
Molecular consequence: synonymous variant.
Genome position (GRCh38, 1-based): chr14:95,096,213, G>A on the plus strand (C>T on the coding strand, the complement: DICER1 is on the minus strand). VCF-style: chr14-95096213-G-A. GRCh37 (hg19) VCF-style: chr14-95562550-G-A.
Other names: c.4707C>T, p.Cys1569= (NM_001195573.1, NM_001271282.3, NM_001291628.2 and 1 more transcripts).
Identifiers: ClinVar variation 242116 (VCV000242116.14), dbSNP rs878855269, ClinGen allele CA10583190.

ClinVar aggregate classification (germline): Conflicting classifications of pathogenicity. Review status: criteria provided, conflicting classifications (1 of 4 stars). 4 submissions from 4 submitters: Uncertain significance (1); Benign (1); Likely benign (2). Last evaluated 2026-04-20.

Conditions:
DICER1-related tumor predisposition. Also called: DICER1-related pleuropulmonary blastoma cancer predisposition syndrome; DICER1 syndrome. Identifiers: Orphanet 284343, MedGen C3839822, MONDO:0100216.
Hereditary cancer-predisposing syndrome. Also called: Hereditary neoplastic syndrome; Neoplastic Syndromes, Hereditary; Hereditary Cancer Syndrome; Tumor predisposition. Identifiers: Orphanet 140162, MedGen C0027672, MeSH D009386, MONDO:0015356.

Allele frequency attached by ClinVar (database versions not stated): TOPMed below 0.00001; gnomAD 0.00001.
gnomAD v4.1: 1 of 1,614,082 alleles (0.000062%); highest among the groups gnomAD compares: African/African-American, 0.0013%; no homozygotes.

Submissions (4):

Myriad Genetics, Inc.
Classification: Benign for DICER1-related tumor predisposition. Last evaluated: 2026-04-20. Review status: criteria provided, single submitter. Criteria: Myriad Autosomal Dominant, Autosomal Recessive and X-Linked Classification Criteria (2023). Collection method: clinical testing. Allele origin: unknown.
Comment: This variant is considered benign. This variant is a silent/synonymous amino acid change and it is not expected to impact splicing.

Quest Diagnostics Nichols Institute San Juan Capistrano
Classification: Uncertain significance. Last evaluated: 2025-10-14. Review status: criteria provided, single submitter. Criteria: Quest Diagnostics criteria. Collection method: clinical testing. Allele origin: unknown.
Comment: The DICER1 c.4707C>T (p.Cys1569=) synonymous variant has not been reported in individuals with DICER1-related conditions in the published literature. The frequency of this variant in the general population (Genome Aggregation Database) is uninformative in the assessment of its pathogenicity. Analysis of this variant using software algorithms for the prediction of the effect of nucleotide changes on splicing yielded predictions that this variant does not affect DICER1 mRNA splicing. Based on the available information, we are unable to determine the clinical significance of this variant.

Labcorp Genetics (formerly Invitae), Labcorp
Classification: Likely benign for DICER1-related tumor predisposition. Last evaluated: 2025-02-04. Review status: criteria provided, single submitter. Criteria: Invitae Variant Classification Sherloc (09022015). Collection method: clinical testing. Allele origin: germline.

Ambry Genetics
Classification: Likely benign for Hereditary cancer-predisposing syndrome. Last evaluated: 2020-04-23. Review status: criteria provided, single submitter. Criteria: Ambry Variant Classification Scheme 2023. Collection method: clinical testing. Allele origin: germline.